The following is an entry in ClinVar:

ClinVar aggregate classification (germline): Uncertain significance (1 of 4 stars; one submission).

Conditions:
Hereditary spastic paraplegia 11. Also called: Spastic paraplegia, mental retardation and thin corpus callosum; SPASTIC PARAPLEGIA, AUTOSOMAL RECESSIVE, COMPLICATED, WITH THIN CORPUS CALLOSUM; SPASTIC PARAPLEGIA, AUTOSOMAL RECESSIVE, WITH MENTAL IMPAIRMENT AND THIN CORPUS CALLOSUM; Nakamura Osame syndrome; Autosomal recessive hereditary spastic paraplegia, mental impairment, and thin corpus callosum; Spastic Paraplegia 11. Identifiers: Orphanet 2822, MedGen C1858479, MONDO:0011445, OMIM 604360.

Submission:

Labcorp Genetics (formerly Invitae), Labcorp
Classification: Uncertain significance for Hereditary spastic paraplegia 11. Last evaluated: 2025-07-23. Review status: criteria provided, single submitter. Criteria: Invitae Variant Classification Sherloc (09022015). Collection method: clinical testing. Allele origin: germline.
Comment: This sequence change replaces leucine, which is neutral and non-polar, with glutamine, which is neutral and polar, at codon 88 of the SPG11 protein (p.Leu88Gln). This variant is not present in population databases (gnomAD no frequency). This variant has not been reported in the literature in individuals affected with SPG11-related conditions. An algorithm developed to predict the effect of missense changes on protein structure and function (PolyPhen-2) suggests that this variant is likely to be tolerated. In summary, the available evidence is currently insufficient to determine the role of this variant in disease. Therefore, it has been classified as a Variant of Uncertain Significance.

NM_025137.4(SPG11):c.263T>A (p.Leu88Gln)

Gene: SPG11 (SPG11 vesicle trafficking associated, spatacsin; minus strand). Cytogenetic location: 15q21.1.
Variant type: single nucleotide variant.
Coding change: c.263T>A on transcript NM_025137.4 (MANE Select); coding-DNA position 263, T replaced by A.
Protein change: p.Leu88Gln; replaces leucine 88 with glutamine.
Molecular consequence: missense variant.
Genome position (GRCh38, 1-based): chr15:44,660,611, A>T on the plus strand (T>A on the coding strand, the complement: SPG11 is on the minus strand). VCF-style: chr15-44660611-A-T. GRCh37 (hg19) VCF-style: chr15-44952809-A-T.
Other names: c.263T>A, p.Leu88Gln (NM_001160227.2, NM_001411132.1); short protein forms L88Q.
Identifiers: ClinVar variation 4723901 (VCV004723901.1).